The following is an entry in ClinVar:

NM_003995.4(NPR2):c.965G>A (p.Gly322Asp)

Gene: NPR2 (natriuretic peptide receptor 2; plus strand). Cytogenetic location: 9p13.3.
Variant type: single nucleotide variant.
Coding change: c.965G>A on transcript NM_003995.4 (MANE Select); coding-DNA position 965, G replaced by A.
Protein change: p.Gly322Asp; replaces glycine 322 with aspartic acid.
Molecular consequence: missense variant.
Genome position (GRCh38, 1-based): chr9:35,799,709, G>A. VCF-style: chr9-35799709-G-A. GRCh37 (hg19) VCF-style: chr9-35799706-G-A.
Other names: c.965G>A, p.Gly322Asp (NM_001378923.1); c.965G>A (NM_003995.3); short protein forms G322D.
Identifiers: ClinVar variation 1951782 (VCV001951782.6), dbSNP rs779933560, ClinGen allele CA5051561.

ClinVar aggregate classification (germline): Uncertain significance. Review status: criteria provided, multiple submitters, no conflicts (2 of 4 stars). 2 submissions from 2 submitters: Uncertain significance (2). Last evaluated 2025-02-26.

Conditions:
Inborn genetic diseases. Identifiers: MedGen C0950123, MeSH D030342.
Acromesomelic dysplasia 1, Maroteaux type (AMD1). Also called: ACROMESOMELIC DYSPLASIA 1; ST. HELENA DYSPLASIA. Identifiers: Orphanet 40, MedGen C1864356, MONDO:0011275, OMIM 602875.
Tall stature-scoliosis-macrodactyly of the great toes syndrome. Also called: Epiphyseal chondrodysplasia, miura type. Identifiers: Orphanet 329191, MedGen C4014690, MONDO:0014401, OMIM 615923.

Allele frequency attached by ClinVar (database versions not stated): TOPMed below 0.00001; ExAC 0.00001.
gnomAD v4.1: 3 of 1,614,026 alleles (0.00019%); highest among the groups gnomAD compares: Non-Finnish European, 0.00025%; no homozygotes.

Submissions (2):

Ambry Genetics
Classification: Uncertain significance for Inborn genetic diseases. Last evaluated: 2025-02-26. Review status: criteria provided, single submitter. Criteria: Ambry Variant Classification Scheme 2023. Collection method: clinical testing. Allele origin: germline.

Labcorp Genetics (formerly Invitae), Labcorp
Classification: Uncertain significance for Tall stature-scoliosis-macrodactyly of the great toes syndrome; Acromesomelic dysplasia 1, Maroteaux type. Last evaluated: 2022-10-24. Review status: criteria provided, single submitter. Criteria: Invitae Variant Classification Sherloc (09022015). Collection method: clinical testing. Allele origin: germline.
Comment: In summary, the available evidence is currently insufficient to determine the role of this variant in disease. Therefore, it has been classified as a Variant of Uncertain Significance. This sequence change replaces glycine, which is neutral and non-polar, with aspartic acid, which is acidic and polar, at codon 322 of the NPR2 protein (p.Gly322Asp). This variant is present in population databases (rs779933560, gnomAD 0.0009%). This variant has not been reported in the literature in individuals affected with NPR2-related conditions. Advanced modeling of protein sequence and biophysical properties (such as structural, functional, and spatial information, amino acid conservation, physicochemical variation, residue mobility, and thermodynamic stability) performed at Invitae indicates that this missense variant is not expected to disrupt NPR2 protein function.